The following is an entry in ClinVar:

ClinVar aggregate classification (germline): Uncertain significance. Review status: criteria provided, multiple submitters, no conflicts (2 of 4 stars). 2 submissions from 2 submitters: Uncertain significance (2). Last evaluated 2023-03-28.

Conditions:
Classic or attenuated familial adenomatous polyposis. Identifiers: MedGen CN372698, MONDO:0021057.
Familial adenomatous polyposis 1 (FAP1). Also called: POLYPOSIS, ADENOMATOUS INTESTINAL; FAMILIAL ADENOMATOUS POLYPOSIS 1, ATTENUATED. Identifiers: MedGen C2713442, MONDO:0021056, OMIM 175100. Disease mechanism: loss of function.

Submissions (2):

All of Us Research Program, National Institutes of Health
Classification: Uncertain significance for Classic or attenuated familial adenomatous polyposis. Last evaluated: 2023-03-28. Review status: criteria provided, single submitter. Criteria: ACMG Guidelines, 2015. Collection method: clinical testing. Allele origin: germline. Inheritance: Autosomal dominant inheritance. Observed: 1 variant allele, 1 heterozygote.
Comment: This study involves interpretation of variants in research participants for the purpose of population health screening. Participant phenotype was not available at the time of variant classification. Additional details can be found in publication PMID: 35346344, PMCID: PMC8962531

Labcorp Genetics (formerly Invitae), Labcorp
Classification: Uncertain significance for Familial adenomatous polyposis 1. Last evaluated: 2018-12-28. Review status: criteria provided, single submitter. Criteria: Invitae Variant Classification Sherloc (09022015). Collection method: clinical testing. Allele origin: germline.
Comment: Algorithms developed to predict the effect of missense changes on protein structure and function (SIFT, PolyPhen-2, Align-GVGD) all suggest that this variant is likely to be disruptive, but these predictions have not been confirmed by published functional studies and their clinical significance is uncertain. In summary, the available evidence is currently insufficient to determine the role of this variant in disease. Therefore, it has been classified as a Variant of Uncertain Significance. This variant has not been reported in the literature in individuals with APC-related conditions. This variant is not present in population databases (ExAC no frequency). This sequence change replaces threonine with proline at codon 1141 of the APC protein (p.Thr1141Pro). The threonine residue is highly conserved and there is a small physicochemical difference between threonine and proline.

NM_000038.6(APC):c.3421A>C (p.Thr1141Pro)

Gene: APC (APC regulator of Wnt signaling pathway; plus strand). Cytogenetic location: 5q22.2.
Variant type: single nucleotide variant.
Coding change: c.3421A>C on transcript NM_000038.6 (MANE Select); coding-DNA position 3421, A replaced by C.
Protein change: p.Thr1141Pro; replaces threonine 1141 with proline.
Molecular consequence: missense variant.
Genome position (GRCh38, 1-based): chr5:112,839,015, A>C. VCF-style: chr5-112839015-A-C. GRCh37 (hg19) VCF-style: chr5-112174712-A-C.
Other names: c.3421A>C, p.Thr1141Pro (NM_001127510.3, NM_001354895.2); c.3367A>C, p.Thr1123Pro (NM_001127511.3); c.3475A>C, p.Thr1159Pro (NM_001354896.2); c.3451A>C, p.Thr1151Pro (NM_001354897.2); c.3346A>C, p.Thr1116Pro (NM_001354898.2); c.3337A>C, p.Thr1113Pro (NM_001354899.2); c.3298A>C, p.Thr1100Pro (NM_001354900.2); c.3244A>C, p.Thr1082Pro (NM_001354901.2); and 5 more; short protein forms T1050P, T1113P, T1123P, T1151P, T858P, T1015P, T1040P, T1082P.
Identifiers: ClinVar variation 658670 (VCV000658670.11), dbSNP rs1476899240, ClinGen allele CA16028831.